The following is an entry in ClinVar:

ClinVar aggregate classification (germline): Uncertain significance (1 of 4 stars; one submission).

Conditions:
Severe combined immunodeficiency due to DNA-PKcs deficiency. Also called: IMMUNODEFICIENCY 26 WITH NEUROLOGIC ABNORMALITIES; Immunodeficiency 26 with or without neurologic abnormalities. Identifiers: Orphanet 317425, MedGen C4014833, MONDO:0014423, OMIM 615966.

gnomAD v4.1: 4 of 1,613,974 alleles (0.00025%); highest among the groups gnomAD compares: Admixed American, 0.0017%; no homozygotes.

Submission:

Labcorp Genetics (formerly Invitae), Labcorp
Classification: Uncertain significance for Severe combined immunodeficiency due to DNA-PKcs deficiency. Last evaluated: 2020-10-07. Review status: criteria provided, single submitter. Criteria: Invitae Variant Classification Sherloc (09022015). Collection method: clinical testing. Allele origin: germline.
Comment: Experimental studies and prediction algorithms are not available or were not evaluated, and the functional significance of this variant is currently unknown. In summary, the available evidence is currently insufficient to determine the role of this variant in disease. Therefore, it has been classified as a Variant of Uncertain Significance. This variant has not been reported in the literature in individuals with PRKDC-related conditions. This variant is not present in population databases (ExAC no frequency). This sequence change replaces arginine with leucine at codon 3282 of the PRKDC protein (p.Arg3282Leu). The arginine residue is moderately conserved and there is a moderate physicochemical difference between arginine and leucine.

NM_006904.7(PRKDC):c.9845G>T (p.Arg3282Leu)

Gene: PRKDC (protein kinase, DNA-activated, catalytic subunit; minus strand). Cytogenetic location: 8q11.21.
Variant type: single nucleotide variant.
Coding change: c.9845G>T on transcript NM_006904.7 (MANE Select); coding-DNA position 9845, G replaced by T.
Protein change: p.Arg3282Leu; replaces arginine 3282 with leucine.
Molecular consequence: missense variant.
Genome position (GRCh38, 1-based): chr8:47,803,383, C>A on the plus strand (G>T on the coding strand, the complement: PRKDC is on the minus strand). VCF-style: chr8-47803383-C-A. GRCh37 (hg19) VCF-style: chr8-48715944-C-A.
Other names: c.9845G>T, p.Arg3282Leu (NM_001081640.2); short protein forms R3282L.
Identifiers: ClinVar variation 1003414 (VCV001003414.3), dbSNP rs758666662, ClinGen allele CA371136635.